The following is an entry in ClinVar:

NM_012481.5(IKZF3):c.995C>T (p.Ser332Leu)

Gene: IKZF3 (IKAROS family zinc finger 3; minus strand). Cytogenetic location: 17q12.
Variant type: single nucleotide variant.
Coding change: c.995C>T on transcript NM_012481.5 (MANE Select); coding-DNA position 995, C replaced by T.
Protein change: p.Ser332Leu; replaces serine 332 with leucine.
Molecular consequence: missense variant.
Genome position (GRCh38, 1-based): chr17:39,766,325, G>A on the plus strand (C>T on the coding strand, the complement: IKZF3 is on the minus strand). VCF-style: chr17-39766325-G-A. GRCh37 (hg19) VCF-style: chr17-37922578-G-A.
Other names: c.827C>T, p.Ser276Leu (NM_183228.3); c.878C>T, p.Ser293Leu (NM_183229.3, NM_183230.3); c.710C>T, p.Ser237Leu (NM_183231.3); c.761C>T, p.Ser254Leu (NM_183232.3); c.893C>T, p.Ser298Leu (NM_001257408.2); c.776C>T, p.Ser259Leu (NM_001257409.2); c.734C>T, p.Ser245Leu (NM_001257410.2); c.566C>T, p.Ser189Leu (NM_001257411.2); and 4 more; short protein forms S111L, S150L, S189L, S198L, S237L, S245L, S254L, S259L.
Identifiers: ClinVar variation 4056792 (VCV004056792.1).
Genomic context (GRCh38, chr17:39,766,325, plus strand): 5'-GACATCTCAGCCCGGGTGAGGGCTATGGGATACATGCTGCTGATAACTGGAACCATCTCC[G>A]AGGTGGGAGCAGGCGGTGTCTGGACCAAGGGGCGCAGGGCTTCGGCGCCAAGATAGCTGA-3'
Protein context (NP_036613.2, residues 322-342): PLVQTPPAPT[Ser332Leu]EMVPVISSMY

ClinVar aggregate classification (germline): Uncertain significance (1 of 4 stars; one submission).

Conditions:
Immunodeficiency 84. Identifiers: Orphanet 697385, MedGen C5561940, MONDO:0030333, OMIM 619437.

gnomAD v4.1: 7 of 1,614,058 alleles (0.00043%); highest among the groups gnomAD compares: Admixed American, 0.0017%; no homozygotes.

Submission:

Laboratorio de Genetica e Diagnostico Molecular, Hospital Israelita Albert Einstein
Classification: Uncertain significance for Immunodeficiency 84. Last evaluated: 2023-11-17. Review status: criteria provided, single submitter. Criteria: ACMG Guidelines, 2015. Collection method: clinical testing. Allele origin: germline. Affected: yes.
Comment: ACMG classification criteria: PM2 supporting, BP4 supporting